The following is an entry in ClinVar:

NM_001267550.2(TTN):c.101985dup (p.Thr33996fs)

Genes: TTN-AS1 (TTN antisense RNA 1; plus strand), TTN (titin; minus strand). Cytogenetic location: 2q31.2.
Variant type: Duplication.
Coding change: c.101985dup on transcript NM_001267550.2 (MANE Select); coding-DNA position 101985, one base duplicated (C; older notation c.101985dupC).
Protein change: p.Thr33996fs; shifts the reading frame from threonine 33996.
Molecular consequence: frameshift variant.
Genome position (GRCh38, 1-based): chr2:178,534,630, G duplicated on the plus strand (C on the coding strand, the reverse complement: TTN is on the minus strand); the first of 2 consecutive G bases (chr2:178,534,630-178,534,631); duplicating either gives the same sequence. VCF-style (leftmost placement, unchanged base first): chr2-178534629-T-TG. GRCh37 (hg19) VCF-style: chr2-179399356-T-TG.
Other names: c.97062dup, p.Thr32355fs (NM_001256850.1); c.74790dup, p.Thr24931fs (NM_003319.4); c.94281dup, p.Thr31428fs (NM_133378.4); c.75165dup, p.Thr25056fs (NM_133432.3); c.75366dup, p.Thr25123fs (NM_133437.4); short protein forms T25056fs, T25123fs, T24931fs, T31428fs, T33996fs, T32355fs.
Identifiers: ClinVar variation 2947833 (VCV002947833.3), dbSNP rs2468542809, ClinGen allele CA2740095900.

ClinVar aggregate classification (germline): Likely pathogenic (1 of 4 stars; one submission).

Conditions:
Dilated cardiomyopathy 1G (CMD1G). Identifiers: Orphanet 154, MedGen C1858763, MONDO:0011400, OMIM 604145.
Autosomal recessive limb-girdle muscular dystrophy type 2J (LGMDR10). Also called: Limb-girdle muscular dystrophy, type 2J; MUSCULAR DYSTROPHY, LIMB-GIRDLE, AUTOSOMAL RECESSIVE 10. Identifiers: Orphanet 140922, MedGen C1837342, MONDO:0012127, OMIM 608807.

Submission:

Labcorp Genetics (formerly Invitae), Labcorp
Classification: Likely pathogenic for Dilated cardiomyopathy 1G; Autosomal recessive limb-girdle muscular dystrophy type 2J. Last evaluated: 2023-12-06. Review status: criteria provided, single submitter. Criteria: Invitae Variant Classification Sherloc (09022015). Collection method: clinical testing. Allele origin: germline.
Comment: This sequence change creates a premature translational stop signal (p.Thr33996Hisfs*23) in the TTN gene. While this is not anticipated to result in nonsense mediated decay, it is expected to create a truncated TTN protein. This variant is not present in population databases (gnomAD no frequency). This variant has not been reported in the literature in individuals affected with TTN-related conditions. This variant is located in the M band of TTN (PMID: 25589632). Truncating variants in this region have been previously reported in individuals affected with autosomal recessive myopathy and muscular dystrophy (PMID: 18948003, 23975875, 24395473). Truncating variants in this region have also been identified in individuals affected with autosomal dominant dilated cardiomyopathy and/or cardio-related conditions (PMID: 27869827, 32964742). In summary, the currently available evidence indicates that the variant is pathogenic, but additional data are needed to prove that conclusively. Therefore, this variant has been classified as Likely Pathogenic.

Literature cited by the submitters: PubMed 25589632; PubMed 18948003; PubMed 23975875; PubMed 24395473; PubMed 27869827; PubMed 32964742.